The following is an entry in ClinVar:

NM_002435.3(MPI):c.166dup (p.Arg56fs)

Gene: MPI (mannose phosphate isomerase; plus strand). Cytogenetic location: 15q24.1.
Variant type: Duplication.
Coding change: c.166dup on transcript NM_002435.3 (MANE Select); coding-DNA position 166, one base duplicated (C; older notation c.166dupC).
Protein change: p.Arg56fs; shifts the reading frame from arginine 56.
Molecular consequence: frameshift variant.
Genome position (GRCh38, 1-based): chr15:74,891,400, C duplicated; the last of 5 consecutive C bases (chr15:74,891,396-74,891,400); duplicating any one gives the same sequence. VCF-style (leftmost placement, unchanged base first): chr15-74891395-A-AC. GRCh37 (hg19) VCF-style: chr15-75183736-A-AC.
Other names: c.166dup, p.Arg56fs (NM_001289155.2, NM_001289157.2); c.16dup, p.Arg6fs (NM_001289156.2); c.106dup, p.Arg36fs (NM_001330372.2); c.166dupC (NM_002435.2); short protein forms R36fs, R6fs, R56fs.
Identifiers: ClinVar variation 188967 (VCV000188967.19), dbSNP rs786204593, ClinGen allele CA274197.

ClinVar aggregate classification (germline): Pathogenic. Review status: criteria provided, multiple submitters, no conflicts (2 of 4 stars). 4 submissions from 4 submitters: Pathogenic (2). 2 of the submissions do not count toward it. Last evaluated 2024-12-19.

Conditions:
MPI-congenital disorder of glycosylation. Also called: MPI-CDG; MPI DEFICIENCY; CONGENITAL DISORDER OF GLYCOSYLATION, TYPE Ib; CDG Ib; MANNOSEPHOSPHATE ISOMERASE DEFICIENCY; PROTEIN-LOSING ENTEROPATHY-HEPATIC FIBROSIS SYNDROME. Identifiers: Orphanet 79319, MedGen C1865145, MONDO:0011257, OMIM 602579.

Submissions (4):

Natera, Inc.
Classification: Pathogenic for Congenital disorder of glycosylation type 1b. Last evaluated: 2024-12-19. Review status: criteria provided, single submitter. Criteria: Natera Variant Classification Schema (03/2026). Collection method: clinical testing. Allele origin: germline.
Comment: The c.166dupC variant in MPI is a frameshift variant predicted to shift the reading frame beginning at codon 56 and leads to a stop codon 8 codons downstream. This variant is expected to result in nonsense mediated decay, truncation, or a dysfunctional protein product. This variant is rare in the general population with a frequency below the threshold expected for the associated phenotype(s). This variant has been observed in one or more individuals affected with the associated recessive disease, as either homozygous or compound heterozygous with a second variant (PMID: 10980531, 30653653). Given the available evidence, this variant is classified as Pathogenic.

Labcorp Genetics (formerly Invitae), Labcorp
Classification: Pathogenic for MPI-congenital disorder of glycosylation. Last evaluated: 2024-01-10. Review status: criteria provided, single submitter. Criteria: Invitae Variant Classification Sherloc (09022015). Collection method: clinical testing. Allele origin: germline.
Comment: This sequence change creates a premature translational stop signal (p.Arg56Profs*8) in the MPI gene. It is expected to result in an absent or disrupted protein product. Loss-of-function variants in MPI are known to be pathogenic (PMID: 19862844). This variant is present in population databases (rs786204593, gnomAD 0.0009%). This premature translational stop signal has been observed in individuals with congenital disorders of glycosylation type Ib (PMID: 10980531, 18928705). ClinVar contains an entry for this variant (Variation ID: 188967). For these reasons, this variant has been classified as Pathogenic.

Counsyl
Classification: Likely pathogenic for Congenital disorder of glycosylation type 1B. Last evaluated: 2014-09-17. Review status: no assertion criteria provided. Collection method: literature only. Allele origin: unknown. Inheritance: Autosomal recessive inheritance. Not counted in ClinVar's aggregate classification.

OMIM
Classification: Pathogenic for CONGENITAL DISORDER OF GLYCOSYLATION, TYPE Ib. Last evaluated: 2000-09-01. Review status: no assertion criteria provided. Collection method: literature only. Allele origin: germline. Not counted in ClinVar's aggregate classification.

Literature cited by the submitters: PubMed 10980531 (cited by 4 submitters); PubMed 30653653 (cited by Natera, Inc.); PubMed 19862844 (cited by Labcorp Genetics (formerly Invitae), Labcorp); PubMed 18928705 (cited by Labcorp Genetics (formerly Invitae), Labcorp).